The following is an entry in ClinVar:

NM_001370.2(DNAH6):c.1042G>A (p.Ala348Thr)

Gene: DNAH6 (dynein axonemal heavy chain 6; plus strand). Cytogenetic location: 2p11.2.
Variant type: single nucleotide variant.
Coding change: c.1042G>A on transcript NM_001370.2 (MANE Select); coding-DNA position 1042, G replaced by A.
Protein change: p.Ala348Thr; replaces alanine 348 with threonine.
Molecular consequence: missense variant.
Genome position (GRCh38, 1-based): chr2:84,547,379, G>A. VCF-style: chr2-84547379-G-A. GRCh37 (hg19) VCF-style: chr2-84774503-G-A.
Other names: short protein forms A348T.
Identifiers: ClinVar variation 3778284 (VCV003778284.7).

ClinVar aggregate classification (germline): Likely benign (1 of 4 stars; one submission).

gnomAD v4.1: 44 of 1,551,650 alleles (0.0028%); highest among the groups gnomAD compares: South Asian, 0.027%; 1 homozygote.

Submission:

CeGaT Center for Human Genetics Tuebingen
Classification: Likely benign. Last evaluated: 2025-03-01. Review status: criteria provided, single submitter. Criteria: CeGaT Center For Human Genetics Tuebingen Variant Classification Criteria Version 2. Collection method: clinical testing. Allele origin: germline. Affected: yes. Observed: 1 variant allele.
Comment: DNAH6: BP4